The following is an entry in ClinVar:

ClinVar aggregate classification (germline): Conflicting classifications of pathogenicity. Review status: criteria provided, conflicting classifications (1 of 4 stars). 3 submissions from 3 submitters: Pathogenic (1); Uncertain significance (2). Last evaluated 2026-08-06.

Conditions:
Endometrial carcinoma. Also called: Endometrial carcinoma, somatic. Identifiers: MedGen C0476089, MONDO:0002447, OMIM 608089, HP:0012114.
Colorectal cancer, hereditary nonpolyposis, type 7. Identifiers: Orphanet 144, MedGen C1858380, MONDO:0013725, OMIM 614385.

Submissions (3):

OLLIN Analises Genomicas, OLLIN
Classification: Uncertain significance for Endometrial carcinoma. Last evaluated: 2026-08-06. Review status: criteria provided, single submitter. Criteria: ACMG Guidelines 2015 PMID 25741868. Collection method: clinical testing. Allele origin: germline.
Comment: This nonsense variant, located in exon 2 (of 13), is absent from gnomAD and has not been identified in the literature. However, it has been reported in ClinVar (accession VCV002911400.5). This variant introduces a premature stop codon, which is predicted to result in either a truncated protein or degradation of the mRNA via nonsense-mediated decay (NMD). According to the currently available evidence, this variant has been classified as uncertain significance (PM2_P).

Ambry Genetics
Classification: Pathogenic. Last evaluated: 2026-06-03. Review status: criteria provided, single submitter. Criteria: Ambry Variant Classification Scheme 2023. Collection method: clinical testing. Allele origin: germline.
Comment: The p.K263* pathogenic mutation (also known as c.787A>T), located in coding exon 1 of the MLH3 gene, results from an A to T substitution at nucleotide position 787. This changes the amino acid from a lysine to a stop codon within coding exon 1. This variant is considered to be rare based on population cohorts in the Genome Aggregation Database (gnomAD). This alteration is expected to result in loss of function by premature protein truncation or nonsense-mediated mRNA decay. As such, this alteration is interpreted as a disease-causing mutation.

Labcorp Genetics (formerly Invitae), Labcorp
Classification: Uncertain significance for Colorectal cancer, hereditary nonpolyposis, type 7. Last evaluated: 2023-07-08. Review status: criteria provided, single submitter. Criteria: Invitae Variant Classification Sherloc (09022015). Collection method: clinical testing. Allele origin: germline.
Comment: In summary, the available evidence is currently insufficient to determine the role of this variant in disease. Therefore, it has been classified as a Variant of Uncertain Significance. This variant has not been reported in the literature in individuals affected with MLH3-related conditions. This variant is not present in population databases (gnomAD no frequency). This sequence change creates a premature translational stop signal (p.Lys263*) in the MLH3 gene. It is expected to result in an absent or disrupted protein product. However, the current clinical and genetic evidence is not sufficient to establish whether loss-of-function variants in MLH3 cause disease.

NM_001040108.2(MLH3):c.787A>T (p.Lys263Ter)

Gene: MLH3 (mutL homolog 3; minus strand). Cytogenetic location: 14q24.3.
Variant type: single nucleotide variant.
Coding change: c.787A>T on transcript NM_001040108.2 (MANE Select); coding-DNA position 787, A replaced by T.
Protein change: p.Lys263Ter; replaces lysine 263 with a stop codon.
Molecular consequence: nonsense.
Genome position (GRCh38, 1-based): chr14:75,048,869, T>A on the plus strand (A>T on the coding strand, the complement: MLH3 is on the minus strand). VCF-style: chr14-75048869-T-A. GRCh37 (hg19) VCF-style: chr14-75515572-T-A.
Other names: c.787A>T, p.Lys263Ter (NM_014381.3); short protein forms K263*.
Identifiers: ClinVar variation 2911400 (VCV002911400.6), dbSNP rs2503316851, ClinGen allele CA390449070.